The following is an entry in ClinVar:

ClinVar aggregate classification (germline): Pathogenic. Review status: criteria provided, multiple submitters, no conflicts (2 of 4 stars). 3 submissions from 3 submitters: Pathogenic (3). Last evaluated 2023-08-07.

Conditions:
Familial cancer of breast. Also called: Hereditary breast cancer; BREAST CANCER, FAMILIAL; hereditary breast carcinoma. Identifiers: Orphanet 227535, MedGen C0346153, MONDO:0016419, OMIM 114480. Disease mechanism: loss of function.
Ataxia-telangiectasia syndrome (AT). Also called: Cerebello-oculocutaneous telangiectasia; Immunodeficiency with ataxia telangiectasia; AT, COMPLEMENTATION GROUP C; Ataxia-telangiectasia, complementation group E; LOUIS-BAR SYNDROME; ATAXIA-TELANGIECTASIA, COMPLEMENTATION GROUP A. Identifiers: Orphanet 100, MedGen C0004135, MONDO:0008840, OMIM 208900.

Allele frequency attached by ClinVar (database versions not stated): gnomAD exomes below 0.00001.

Submissions (3):

Myriad Genetics, Inc.
Classification: Pathogenic for Familial cancer of breast. Last evaluated: 2023-08-07. Review status: criteria provided, single submitter. Criteria: Myriad Autosomal Dominant, Autosomal Recessive and X-Linked Classification Criteria (2023). Collection method: clinical testing. Allele origin: unknown.
Comment: This variant is considered pathogenic. This variant creates a frameshift predicted to result in premature protein truncation.

Baylor Genetics
Classification: Pathogenic for Familial cancer of breast. Last evaluated: 2023-07-23. Review status: criteria provided, single submitter. Criteria: ACMG Guidelines, 2015. Collection method: clinical testing. Allele origin: unknown.

Labcorp Genetics (formerly Invitae), Labcorp
Classification: Pathogenic for Ataxia-telangiectasia syndrome. Last evaluated: 2021-08-28. Review status: criteria provided, single submitter. Criteria: Invitae Variant Classification Sherloc (09022015). Collection method: clinical testing. Allele origin: germline.
Comment: This sequence change creates a premature translational stop signal (p.Asp1413Ilefs*38) in the ATM gene. It is expected to result in an absent or disrupted protein product. Loss-of-function variants in ATM are known to be pathogenic (PMID: 23807571, 25614872). This variant is not present in population databases (ExAC no frequency). This variant has not been reported in the literature in individuals affected with ATM-related conditions. Algorithms developed to predict the effect of sequence changes on RNA splicing suggest that this variant may disrupt the consensus splice site. For these reasons, this variant has been classified as Pathogenic.

Literature cited by the submitters: PubMed 23807571 (cited by Labcorp Genetics (formerly Invitae), Labcorp); PubMed 25614872 (cited by Labcorp Genetics (formerly Invitae), Labcorp).

NM_000051.4(ATM):c.4236del (p.Asp1413fs)

Gene: ATM (ATM serine/threonine kinase; plus strand). Cytogenetic location: 11q22.3.
Variant type: Deletion.
Coding change: c.4236del on transcript NM_000051.4 (MANE Select); coding-DNA position 4236, one base deleted (T; older notation c.4236delT).
Protein change: p.Asp1413fs; shifts the reading frame from aspartic acid 1413.
Molecular consequence: frameshift variant.
Genome position (GRCh38, 1-based): chr11:108,289,103, T deleted. VCF-style (leftmost placement, unchanged base first): chr11-108289102-CT-C. GRCh37 (hg19) VCF-style: chr11-108159829-CT-C.
Other names: c.4236del, p.Asp1413fs (NM_001351834.2); short protein forms D1413fs.
Identifiers: ClinVar variation 1371915 (VCV001371915.7), dbSNP rs1565455297, ClinGen allele CA601720207.